The following is an entry in ClinVar:

ClinVar aggregate classification (germline): Benign (1 of 4 stars; one submission).

Submission:

CeGaT Center for Human Genetics Tuebingen
Classification: Benign. Last evaluated: 2024-10-01. Review status: criteria provided, single submitter. Criteria: CeGaT Center For Human Genetics Tuebingen Variant Classification Criteria Version 2. Collection method: clinical testing. Allele origin: germline. Affected: yes. Observed: 1 variant allele.
Comment: SOS1: BP4, BS1, BS2

NC_000002.12:g.38962871_38962874dup

Genes: ARHGEF33 (Rho guanine nucleotide exchange factor 33; plus strand), SOS1 (SOS Ras/Rac guanine nucleotide exchange factor 1; minus strand). Cytogenetic location: 2p22.1.
Variant type: Duplication.
Molecular consequence: intron variant (on NM_001145451.5).
Genome position: GRCh38 VCF-style: chr2-38962849-C-CAAAA. GRCh37 (hg19) VCF-style: chr2-39189990-C-CAAAA.
Other names: c.2343+2223_2343+2226dup (NM_001367623.3, NM_001145451.5).
Identifiers: ClinVar variation 3389483 (VCV003389483.14).